The following is an entry in ClinVar:

NM_000400.4(ERCC2):c.1186C>T (p.Pro396Ser)

Gene: ERCC2 (ERCC excision repair 2, TFIIH core complex helicase subunit; minus strand). Cytogenetic location: 19q13.32.
Variant type: single nucleotide variant.
Coding change: c.1186C>T on transcript NM_000400.4 (MANE Select); coding-DNA position 1186, C replaced by T.
Protein change: p.Pro396Ser; replaces proline 396 with serine.
Molecular consequence: missense variant.
Genome position (GRCh38, 1-based): chr19:45,361,575, G>A on the plus strand (C>T on the coding strand, the complement: ERCC2 is on the minus strand). VCF-style: chr19-45361575-G-A. GRCh37 (hg19) VCF-style: chr19-45864833-G-A.
Other names: c.1114C>T, p.Pro372Ser (NM_001130867.2); short protein forms P372S, P396S.
Identifiers: ClinVar variation 3276222 (VCV003276222.1).

ClinVar aggregate classification (germline): Uncertain significance (1 of 4 stars; one submission).

Conditions:
Inborn genetic diseases. Identifiers: MedGen C0950123, MeSH D030342.

gnomAD v4.1: 6 of 1,614,012 alleles (0.00037%); highest among the groups gnomAD compares: Non-Finnish European, 0.00051%; no homozygotes.

Submission:

Ambry Genetics
Classification: Uncertain significance for Inborn genetic diseases. Last evaluated: 2024-03-17. Review status: criteria provided, single submitter. Criteria: Ambry Variant Classification Scheme 2023. Collection method: clinical testing. Allele origin: germline.
Comment: The p.P396S variant (also known as c.1186C>T), located in coding exon 12 of the ERCC2 gene, results from a C to T substitution at nucleotide position 1186. The proline at codon 396 is replaced by serine, an amino acid with similar properties. This amino acid position is conserved. In addition, this alteration is predicted to be tolerated by in silico analysis. Based on the available evidence, the clinical significance of this alteration remains unclear.